The following is an entry in ClinVar:

ClinVar aggregate classification (germline): Likely benign (0 of 4 stars; one submission).

Conditions:
ASXL3-related disorder. Also called: ASXL3-related condition. Identifiers: MedGen CN381524.

Allele frequency attached by ClinVar (database versions not stated): gnomAD exomes 0.00004; gnomAD 0.00005; ExAC 0.00008; ESP Exome Variant Server 0.00008; TOPMed 0.00008; 1000 Genomes Project 0.00020.
gnomAD v4.1: 77 of 1,614,060 alleles (0.0048%); highest among the groups gnomAD compares: East Asian, 0.06%; no homozygotes.

Submission:

PreventionGenetics, part of Exact Sciences
Classification: Likely benign for ASXL3-related condition. Last evaluated: 2019-04-25. Review status: no assertion criteria provided. Collection method: clinical testing. Allele origin: germline.
Comment: This variant is classified as likely benign based on ACMG/AMP sequence variant interpretation guidelines (Richards et al. 2015 PMID: 25741868, with internal and published modifications).

NM_030632.3(ASXL3):c.4953C>T (p.Asn1651=)

Gene: ASXL3 (ASXL transcriptional regulator 3; plus strand). Cytogenetic location: 18q12.1.
Variant type: single nucleotide variant.
Coding change: c.4953C>T on transcript NM_030632.3 (MANE Select); coding-DNA position 4953, C replaced by T.
Protein change: p.Asn1651=; no amino-acid change (asparagine 1651 retained).
Molecular consequence: synonymous variant.
Genome position (GRCh38, 1-based): chr18:33,744,801, C>T. VCF-style: chr18-33744801-C-T. GRCh37 (hg19) VCF-style: chr18-31324765-C-T.
Identifiers: ClinVar variation 3047080 (VCV003047080.2), dbSNP rs372081843, ClinGen allele CA8934359.